The following is an entry in ClinVar:

NM_001378454.1(ALMS1):c.9380T>C (p.Val3127Ala)

Gene: ALMS1 (ALMS1 centrosome and basal body associated protein; plus strand). Cytogenetic location: 2p13.1.
Variant type: single nucleotide variant.
Coding change: c.9380T>C on transcript NM_001378454.1 (MANE Select); coding-DNA position 9380, T replaced by C.
Protein change: p.Val3127Ala; replaces valine 3127 with alanine.
Molecular consequence: missense variant.
Genome position (GRCh38, 1-based): chr2:73,491,339, T>C. VCF-style: chr2-73491339-T-C. GRCh37 (hg19) VCF-style: chr2-73718466-T-C.
Other names: c.9383T>C, p.Val3128Ala (NM_015120.4); short protein forms V3128A, V3127A.
Identifiers: ClinVar variation 1435194 (VCV001435194.6), dbSNP rs2103895825, ClinGen allele CA347274527.

ClinVar aggregate classification (germline): Uncertain significance (1 of 4 stars; one submission).

Conditions:
Alstrom syndrome (ALMS). Identifiers: Orphanet 64, MedGen C0268425, MONDO:0008763, OMIM 203800.

Submission:

Labcorp Genetics (formerly Invitae), Labcorp
Classification: Uncertain significance for Alstrom syndrome. Last evaluated: 2023-05-30. Review status: criteria provided, single submitter. Criteria: Invitae Variant Classification Sherloc (09022015). Collection method: clinical testing. Allele origin: germline.
Comment: In summary, the available evidence is currently insufficient to determine the role of this variant in disease. Therefore, it has been classified as a Variant of Uncertain Significance. Experimental studies and prediction algorithms are not available or were not evaluated, and the functional significance of this variant is currently unknown. ClinVar contains an entry for this variant (Variation ID: 1435194). This variant has not been reported in the literature in individuals affected with ALMS1-related conditions. This variant is not present in population databases (gnomAD no frequency). This sequence change replaces valine, which is neutral and non-polar, with alanine, which is neutral and non-polar, at codon 3128 of the ALMS1 protein (p.Val3128Ala).